The following is an entry in ClinVar:

ClinVar aggregate classification (germline): Uncertain significance (1 of 4 stars; one submission).

Conditions:
X-linked severe combined immunodeficiency (SCIDX1). Also called: IMMUNODEFICIENCY 4; SCID, X-LINKED; SEVERE COMBINED IMMUNODEFICIENCY, X-LINKED, T CELL-NEGATIVE, B CELL-POSITIVE, NK CELL-NEGATIVE; X-Linked Combined Immunodeficiency Diseases; T-B+ severe combined immunodeficiency due to gamma chain deficiency. Identifiers: Orphanet 276, MedGen C6022468, MONDO:0010315, OMIM 300400. Disease mechanism: loss of function.

Submission:

Labcorp Genetics (formerly Invitae), Labcorp
Classification: Uncertain significance for X-linked severe combined immunodeficiency. Last evaluated: 2024-05-11. Review status: criteria provided, single submitter. Criteria: Invitae Variant Classification Sherloc (09022015). Collection method: clinical testing. Allele origin: germline.
Comment: This sequence change replaces aspartic acid, which is acidic and polar, with tyrosine, which is neutral and polar, at codon 97 of the IL2RG protein (p.Asp97Tyr). This variant is not present in population databases (gnomAD no frequency). This variant has not been reported in the literature in individuals affected with IL2RG-related conditions. Advanced modeling of protein sequence and biophysical properties (such as structural, functional, and spatial information, amino acid conservation, physicochemical variation, residue mobility, and thermodynamic stability) performed at Invitae indicates that this missense variant is not expected to disrupt IL2RG protein function with a negative predictive value of 80%. In summary, the available evidence is currently insufficient to determine the role of this variant in disease. Therefore, it has been classified as a Variant of Uncertain Significance.

NM_000206.3(IL2RG):c.289G>T (p.Asp97Tyr)

Gene: IL2RG (interleukin 2 receptor subunit gamma; minus strand). Cytogenetic location: Xq13.1.
Variant type: single nucleotide variant.
Coding change: c.289G>T on transcript NM_000206.3 (MANE Select); coding-DNA position 289, G replaced by T.
Protein change: p.Asp97Tyr; replaces aspartic acid 97 with tyrosine.
Molecular consequence: missense variant.
Genome position (GRCh38, 1-based): chrX:71,110,669, C>A on the plus strand (G>T on the coding strand, the complement: IL2RG is on the minus strand). VCF-style: chrX-71110669-C-A. GRCh37 (hg19) VCF-style: chrX-70330519-C-A.
Other names: short protein forms D97Y.
Identifiers: ClinVar variation 3717493 (VCV003717493.2).